The following is an entry in ClinVar:

NM_005199.5(CHRNG):c.532_533del (p.Glu177_Ile178insTer)

Gene: CHRNG (cholinergic receptor nicotinic gamma subunit; plus strand). Cytogenetic location: 2q37.1.
Variant type: Deletion.
Coding change: c.532_533del on transcript NM_005199.5 (MANE Select); coding-DNA positions 532 to 533, 2 bases deleted (AT; older notation c.532_533delAT).
Protein change: p.Glu177_Ile178insTer.
Molecular consequence: nonsense.
Genome position (GRCh38, 1-based): chr2:232,542,448-232,542,449, AT deleted. VCF-style (leftmost placement, unchanged base first): chr2-232542447-GAT-G. GRCh37 (hg19) VCF-style: chr2-233407157-GAT-G.
Identifiers: ClinVar variation 2719799 (VCV002719799.4), dbSNP rs2469750351, ClinGen allele CA2577278333.

ClinVar aggregate classification (germline): Pathogenic/Likely pathogenic. Review status: criteria provided, multiple submitters, no conflicts (2 of 4 stars). 2 submissions from 2 submitters: Pathogenic (1); Likely pathogenic (1). Last evaluated 2024-06-18.

Conditions:
Lethal multiple pterygium syndrome (LMPS). Identifiers: Orphanet 33108, MedGen C1854678, MONDO:0009668, OMIM 253290.
Autosomal recessive multiple pterygium syndrome. Also called: PTERYGIUM COLLI SYNDROME; PTERYGIUM SYNDROME; PTERYGIUM UNIVERSALE; MULTIPLE PTERYGIUM SYNDROME, ESCOBAR VARIANT. Identifiers: Orphanet 2990, MedGen C0265261, MONDO:0009926, OMIM 265000.

Allele frequency attached by ClinVar (database versions not stated): gnomAD exomes below 0.00001.

Submissions (2):

Fulgent Genetics
Classification: Likely pathogenic for Lethal multiple pterygium syndrome; Autosomal recessive multiple pterygium syndrome. Last evaluated: 2024-06-18. Review status: criteria provided, single submitter. Criteria: ACMG Guidelines, 2015. Collection method: clinical testing. Allele origin: germline.

Labcorp Genetics (formerly Invitae), Labcorp
Classification: Pathogenic. Last evaluated: 2023-09-08. Review status: criteria provided, single submitter. Criteria: Invitae Variant Classification Sherloc (09022015). Collection method: clinical testing. Allele origin: germline.
Comment: For these reasons, this variant has been classified as Pathogenic. This variant has not been reported in the literature in individuals affected with CHRNG-related conditions. This variant is not present in population databases (gnomAD no frequency). This sequence change creates a premature translational stop signal (p.Ile178*) in the CHRNG gene. It is expected to result in an absent or disrupted protein product. Loss-of-function variants in CHRNG are known to be pathogenic (PMID: 16826520).

Literature cited by the submitters: PubMed 16826520 (cited by Labcorp Genetics (formerly Invitae), Labcorp).